The following is an entry in ClinVar:

ClinVar aggregate classification (germline): Benign/Likely benign. Review status: criteria provided, multiple submitters, no conflicts (2 of 4 stars). 2 submissions from 2 submitters: Benign (1); Likely benign (1). Last evaluated 2024-11-28.

Allele frequency attached by ClinVar (database versions not stated): 1000 Genomes Project 30x 0.00031; 1000 Genomes Project 0.00040; ESP Exome Variant Server 0.00054; TOPMed 0.00124; gnomAD exomes 0.00167 and 0.00184; ExAC 0.00179; gnomAD 0.00191 and 0.00215.

Submissions (2):

Blueprint Genetics
Classification: Likely benign. Last evaluated: 2024-11-28. Review status: criteria provided, single submitter. Criteria: ACMG Guidelines, 2015. Collection method: clinical testing. Allele origin: germline.

CeGaT Center for Human Genetics Tuebingen
Classification: Benign. Last evaluated: 2022-10-01. Review status: criteria provided, single submitter. Criteria: CeGaT Center For Human Genetics Tuebingen Variant Classification Criteria Version 2. Collection method: clinical testing. Allele origin: germline. Affected: yes. Observed: 4 variant alleles.
Comment: SON: BS1, BS2

NM_138927.4(SON):c.6768+12T>G

Gene: SON (SON DNA and RNA binding protein; plus strand). Cytogenetic location: 21q22.11.
Variant type: single nucleotide variant.
Coding change: c.6768+12T>G on transcript NM_138927.4 (MANE Select); 12 bases into the intron after coding-DNA position 6768, T replaced by G.
Molecular consequence: intron variant.
Genome position (GRCh38, 1-based): chr21:33,567,279, T>G. VCF-style: chr21-33567279-T-G. GRCh37 (hg19) VCF-style: chr21-34939585-T-G.
Other names: c.852+12T>G (NM_001291412.3).
Identifiers: ClinVar variation 1695027 (VCV001695027.32), dbSNP rs201413088, ClinGen allele CA10010049.